The following is an entry in ClinVar:

NM_006231.4(POLE):c.4107C>G (p.Asn1369Lys)

Gene: POLE (DNA polymerase epsilon, catalytic subunit; minus strand). Cytogenetic location: 12q24.33.
Variant type: single nucleotide variant.
Coding change: c.4107C>G on transcript NM_006231.4 (MANE Select); coding-DNA position 4107, C replaced by G.
Protein change: p.Asn1369Lys; replaces asparagine 1369 with lysine.
Molecular consequence: missense variant.
Genome position (GRCh38, 1-based): chr12:132,648,971, G>C on the plus strand (C>G on the coding strand, the complement: POLE is on the minus strand). VCF-style: chr12-132648971-G-C. GRCh37 (hg19) VCF-style: chr12-133225557-G-C.
Other names: short protein forms N1369K.
Identifiers: ClinVar variation 1737888 (VCV001737888.2), dbSNP rs2042351343, ClinGen allele CA387383700.

ClinVar aggregate classification (germline): Uncertain significance (1 of 4 stars; one submission).

Conditions:
Hereditary cancer-predisposing syndrome. Also called: Neoplastic Syndromes, Hereditary; Tumor predisposition; Hereditary Cancer Syndrome; Hereditary neoplastic syndrome. Identifiers: Orphanet 140162, MedGen C0027672, MeSH D009386, MONDO:0015356.

Submission:

Ambry Genetics
Classification: Uncertain significance for Hereditary cancer-predisposing syndrome. Last evaluated: 2022-01-30. Review status: criteria provided, single submitter. Criteria: Ambry Variant Classification Scheme 2023. Collection method: clinical testing. Allele origin: germline.
Comment: The p.N1369K variant (also known as c.4107C>G), located in coding exon 32 of the POLE gene, results from a C to G substitution at nucleotide position 4107. The asparagine at codon 1369 is replaced by lysine, an amino acid with similar properties. This amino acid position is conserved. In addition, this alteration is predicted to be tolerated by in silico analysis. Since supporting evidence is limited at this time, the clinical significance of this alteration remains unclear.